The following is an entry in ClinVar:

ClinVar aggregate classification (germline): Uncertain significance. Review status: criteria provided, multiple submitters, no conflicts (2 of 4 stars). 2 submissions from 2 submitters: Uncertain significance (2). Last evaluated 2024-08-28.

Conditions:
Developmental and epileptic encephalopathy, 23 (DEE23). Also called: Epileptic encephalopathy, early infantile, 23. Identifiers: Orphanet 411986, MedGen C4014492, MONDO:0014371, OMIM 615859.
Inborn genetic diseases. Identifiers: MedGen C0950123, MeSH D030342.

Allele frequency attached by ClinVar (database versions not stated): gnomAD 0.00001; TOPMed 0.00002.
gnomAD v4.1: 9 of 1,601,586 alleles (0.00056%); highest among the groups gnomAD compares: Non-Finnish European, 0.00077%; no homozygotes.

Submissions (2):

Ambry Genetics
Classification: Uncertain significance for Inborn genetic diseases. Last evaluated: 2024-08-28. Review status: criteria provided, single submitter. Criteria: Ambry Variant Classification Scheme 2023. Collection method: clinical testing. Allele origin: germline.

Labcorp Genetics (formerly Invitae), Labcorp
Classification: Uncertain significance for Developmental and epileptic encephalopathy, 23. Last evaluated: 2022-01-18. Review status: criteria provided, single submitter. Criteria: Invitae Variant Classification Sherloc (09022015). Collection method: clinical testing. Allele origin: germline.
Comment: This sequence change replaces glycine, which is neutral and non-polar, with glutamic acid, which is acidic and polar, at codon 977 of the DOCK7 protein (p.Gly977Glu). This variant is present in population databases (no rsID available, gnomAD 0.007%). This variant has not been reported in the literature in individuals affected with DOCK7-related conditions. Algorithms developed to predict the effect of missense changes on protein structure and function are either unavailable or do not agree on the potential impact of this missense change (SIFT: "Tolerated"; PolyPhen-2: "Possibly Damaging"; Align-GVGD: "Class C0"). In summary, the available evidence is currently insufficient to determine the role of this variant in disease. Therefore, it has been classified as a Variant of Uncertain Significance.

NM_001367561.1(DOCK7):c.2930G>A (p.Gly977Glu)

Gene: DOCK7 (dedicator of cytokinesis 7; minus strand). Cytogenetic location: 1p31.3.
Variant type: single nucleotide variant.
Coding change: c.2930G>A on transcript NM_001367561.1 (MANE Select); coding-DNA position 2930, G replaced by A.
Protein change: p.Gly977Glu; replaces glycine 977 with glutamic acid.
Molecular consequence: missense variant.
Genome position (GRCh38, 1-based): chr1:62,543,675, C>T on the plus strand (G>A on the coding strand, the complement: DOCK7 is on the minus strand). VCF-style: chr1-62543675-C-T. GRCh37 (hg19) VCF-style: chr1-63009346-C-T.
Other names: c.2930G>A, p.Gly977Glu (NM_001271999.2, NM_001330614.2); c.2837G>A, p.Gly946Glu (NM_001272000.2, NM_001272001.2, NM_033407.4); c.2837G>A (NM_033407.2); short protein forms G977E, G946E.
Identifiers: ClinVar variation 2048615 (VCV002048615.2), dbSNP rs955858137, ClinGen allele CA23743432.